The following is an entry in ClinVar:

NM_173651.4(FSIP2):c.5386_5389dup (p.Leu1797fs)

Genes: FSIP2 (fibrous sheath interacting protein 2; plus strand), FSIP2-AS1 (FSIP2 antisense RNA 1; minus strand). Cytogenetic location: 2q32.1.
Variant type: Microsatellite.
Coding change: c.5386_5389dup on transcript NM_173651.4 (MANE Select); coding-DNA positions 5386 to 5389, 4 bases duplicated (CAAT; older notation c.5386_5389dupCAAT).
Protein change: p.Leu1797fs; shifts the reading frame from leucine 1797.
Molecular consequence: frameshift variant.
Genome position (GRCh38, 1-based): chr2:185,792,522-185,792,525, CAAT duplicated; duplicating any 4 consecutive bases within chr2:185,792,515-185,792,525 gives the same sequence; the c. name uses the placement nearest the transcript's 3' end. VCF-style (leftmost placement, unchanged base first): chr2-185792514-T-TAATC. GRCh37 (hg19) VCF-style: chr2-186657241-T-TAATC.
Other names: short protein forms L1797fs.
Identifiers: ClinVar variation 4850463 (VCV004850463.1).

ClinVar aggregate classification (germline): Likely pathogenic (1 of 4 stars; one submission).

Conditions:
Spermatogenic failure 34. Identifiers: MedGen C4748403, MONDO:0029148, OMIM 618153.

Submission:

First Genomix Gene Laboratory, Genetic Diagnostics Department
Classification: Likely pathogenic for Spermatogenic failure 34. Last evaluated: 2025-09-26. Review status: criteria provided, single submitter. Criteria: ACMG Guidelines, 2015. Collection method: clinical testing. Allele origin: germline. Inheritance: Autosomal recessive inheritance. Affected: no. Observed: 1 variant allele.